The following is an entry in ClinVar:

ClinVar aggregate classification (germline): Uncertain significance (1 of 4 stars; one submission).

Submission:

Labcorp Genetics (formerly Invitae), Labcorp
Classification: Uncertain significance. Last evaluated: 2023-08-30. Review status: criteria provided, single submitter. Criteria: Invitae Variant Classification Sherloc (09022015). Collection method: clinical testing. Allele origin: germline.
Comment: In summary, the available evidence is currently insufficient to determine the role of this variant in disease. Therefore, it has been classified as a Variant of Uncertain Significance. Advanced modeling of protein sequence and biophysical properties (such as structural, functional, and spatial information, amino acid conservation, physicochemical variation, residue mobility, and thermodynamic stability) performed at Invitae indicates that this missense variant is not expected to disrupt NTRK2 protein function. ClinVar contains an entry for this variant (Variation ID: 2130263). This variant has not been reported in the literature in individuals affected with NTRK2-related conditions. This variant is not present in population databases (gnomAD no frequency). This sequence change replaces arginine, which is basic and polar, with glycine, which is neutral and non-polar, at codon 251 of the NTRK2 protein (p.Arg251Gly).

NM_006180.6(NTRK2):c.751A>G (p.Arg251Gly)

Gene: NTRK2 (neurotrophic receptor tyrosine kinase 2; plus strand). Cytogenetic location: 9q21.33.
Variant type: single nucleotide variant.
Coding change: c.751A>G on transcript NM_006180.6 (MANE Select); coding-DNA position 751, A replaced by G.
Protein change: p.Arg251Gly; replaces arginine 251 with glycine.
Molecular consequence: missense variant.
Genome position (GRCh38, 1-based): chr9:84,724,254, A>G. VCF-style: chr9-84724254-A-G. GRCh37 (hg19) VCF-style: chr9-87339169-A-G.
Other names: c.751A>G, p.Arg251Gly (NM_001369538.1, NM_001369539.1, NM_001369540.1 and 19 more transcripts); c.283A>G, p.Arg95Gly (NM_001369535.1, NM_001369536.1, NM_001369550.1 and 2 more transcripts); short protein forms R251G, R95G.
Identifiers: ClinVar variation 2130263 (VCV002130263.4), dbSNP rs2492085252, ClinGen allele CA374007473.